The following is an entry in ClinVar:

ClinVar aggregate classification (germline): Uncertain significance (1 of 4 stars; one submission).

Conditions:
Pitt-Hopkins-like syndrome 2 (PTHSL2). Identifiers: Orphanet 221150, Orphanet 600663, MedGen C3280479, MONDO:0013690, OMIM 614325.

Submission:

Labcorp Genetics (formerly Invitae), Labcorp
Classification: Uncertain significance for Pitt-Hopkins-like syndrome 2. Last evaluated: 2024-12-11. Review status: criteria provided, single submitter. Criteria: Invitae Variant Classification Sherloc (09022015). Collection method: clinical testing. Allele origin: germline.
Comment: This sequence change replaces glutamine, which is neutral and polar, with leucine, which is neutral and non-polar, at codon 1336 of the NRXN1 protein (p.Gln1336Leu). This variant is not present in population databases (gnomAD no frequency). This variant has not been reported in the literature in individuals affected with NRXN1-related conditions. Invitae Evidence Modeling of protein sequence and biophysical properties (such as structural, functional, and spatial information, amino acid conservation, physicochemical variation, residue mobility, and thermodynamic stability) has been performed for this missense variant. However, the output from this modeling did not meet the statistical confidence thresholds required to predict the impact of this variant on NRXN1 protein function. In summary, the available evidence is currently insufficient to determine the role of this variant in disease. Therefore, it has been classified as a Variant of Uncertain Significance.

NM_001330078.2(NRXN1):c.3887A>T (p.Gln1296Leu)

Gene: NRXN1 (neurexin 1; minus strand). Cytogenetic location: 2p16.3.
Variant type: single nucleotide variant.
Coding change: c.3887A>T on transcript NM_001330078.2 (MANE Select); coding-DNA position 3887, A replaced by T.
Protein change: p.Gln1296Leu; replaces glutamine 1296 with leucine.
Molecular consequence: missense variant.
Genome position (GRCh38, 1-based): chr2:50,053,512, T>A on the plus strand (A>T on the coding strand, the complement: NRXN1 is on the minus strand). VCF-style: chr2-50053512-T-A. GRCh37 (hg19) VCF-style: chr2-50280650-T-A.
Other names: c.3863A>T, p.Gln1288Leu (NM_001330077.2, NM_001330082.2); c.3731A>T, p.Gln1244Leu (NM_001330083.2); c.3821A>T, p.Gln1274Leu (NM_001330084.2); c.3860A>T, p.Gln1287Leu (NM_001330085.2); c.3887A>T, p.Gln1296Leu (NM_001330086.2); c.3686A>T, p.Gln1229Leu (NM_001330087.2, NM_001330096.2); c.3716A>T, p.Gln1239Leu (NM_001330088.2); c.782A>T, p.Gln261Leu (NM_001330091.2, NM_001330092.2); and 6 more; short protein forms Q1244L, Q1287L, Q1292L, Q1239L, Q1249L, Q1266L, Q1288L, Q1296L.
Identifiers: ClinVar variation 3714321 (VCV003714321.2).